The following is an entry in ClinVar:

ClinVar aggregate classification (germline): Benign. Review status: criteria provided, multiple submitters, no conflicts (2 of 4 stars). 2 submissions from 2 submitters: Benign (2). Last evaluated 2018-01-13.

Conditions:
Progressive external ophthalmoplegia with mitochondrial DNA deletions, autosomal dominant 2. Also called: PROGRESSIVE EXTERNAL OPHTHALMOPLEGIA, AUTOSOMAL DOMINANT 2. Identifiers: MedGen C1836460, MONDO:0012238, OMIM 609283.

Allele frequency attached by ClinVar (database versions not stated): 1000 Genomes Project 30x 0.41833; TOPMed 0.41979; gnomAD 0.42427 and 0.42948; 1000 Genomes Project 0.43051.

Submissions (2):

Illumina Laboratory Services, Illumina
Classification: Benign for Progressive external ophthalmoplegia with mitochondrial DNA deletions, autosomal dominant 2. Last evaluated: 2018-01-13. Review status: criteria provided, single submitter. Criteria: ICSL Variant Classification Criteria 13 December 2019. Collection method: clinical testing. Allele origin: germline.
Comment: This variant was observed in the ICSL laboratory as part of a predisposition screen in an ostensibly healthy population. It had not been previously curated by ICSL or reported in the Human Gene Mutation Database (HGMD: prior to June 1st, 2018), and was therefore a candidate for classification through an automated scoring system. Utilizing variant allele frequency, disease prevalence and penetrance estimates, and inheritance mode, an automated score was calculated to assess if this variant is too frequent to cause the disease. Based on the score and internal cut-off values, a variant classified as benign is not then subjected to further curation. The score for this variant resulted in a classification of benign for this disease.

Breakthrough Genomics
Classification: Benign. Review status: criteria provided, single submitter. Criteria: ACMG Guidelines, 2015. Collection method: not provided. Allele origin: germline. Inheritance: Autosomal recessive inheritance. Affected: yes.

NM_001151.4(SLC25A4):c.*2943G>A

Gene: SLC25A4 (solute carrier family 25 member 4; plus strand). Cytogenetic location: 4q35.1.
Variant type: single nucleotide variant.
Coding change: c.*2943G>A on transcript NM_001151.4 (MANE Select); 2943 bases downstream of the stop codon, G replaced by A.
Molecular consequence: 3 prime UTR variant.
Genome position (GRCh38, 1-based): chr4:185,149,914, G>A. VCF-style: chr4-185149914-G-A. GRCh37 (hg19) VCF-style: chr4-186071068-G-A.
Identifiers: ClinVar variation 348282 (VCV000348282.6), dbSNP rs7675110, ClinGen allele CA10620580.